The following is an entry in ClinVar:

NM_001110556.2(FLNA):c.1829-6_1829-4del

Gene: FLNA (filamin A; minus strand). Cytogenetic location: Xq28.
Variant type: Microsatellite.
Coding change: c.1829-6_1829-4del on transcript NM_001110556.2 (MANE Select); 6 bases into the intron before coding-DNA position 1829 through 4 bases into the intron before coding-DNA position 1829, 3 bases deleted (TGT; older notation c.1829-6_1829-4delTGT).
Molecular consequence: intron variant.
Genome position (GRCh38, 1-based): chrX:154,364,723-154,364,725, ACA deleted on the plus strand (TGT on the coding strand, the reverse complement: FLNA is on the minus strand); deleting any 3 consecutive bases within chrX:154,364,723-154,364,728 gives the same sequence; the c. name uses the placement nearest the transcript's 3' end. VCF-style (leftmost placement, unchanged base first): chrX-154364722-GACA-G. GRCh37 (hg19) VCF-style: chrX-153593090-GACA-G.
Other names: c.1829-6_1829-4del (NM_001456.4).
Identifiers: ClinVar variation 4784065 (VCV004784065.1).

ClinVar aggregate classification (germline): Uncertain significance (1 of 4 stars; one submission).

Conditions:
Heterotopia, periventricular, X-linked dominant (PVNH1). Also called: PERIVENTRICULAR NODULAR HETEROTOPIA 4; HETEROTOPIA, PERIVENTRICULAR, 1; PERIVENTRICULAR NODULAR HETEROTOPIA 1; X-linked periventricular heterotopia. Identifiers: Orphanet 2149, Orphanet 82004, MedGen C1848213, MONDO:0010233, OMIM 300049.
Oto-palato-digital syndrome, type II (OPD2). Also called: Otopalatodigital Syndrome, Type II; FACIOPALATOOSSEOUS SYNDROME; OPD II SYNDROME; Otopalatodigital Syndrome Type 2 (FLNA-OPD2). Identifiers: Orphanet 669, Orphanet 90652, MedGen C1844696, MONDO:0010571, OMIM 304120.
Melnick-Needles syndrome (MNS). Also called: MELNICK-NEEDLES OSTEODYSPLASTY; OSTEODYSPLASTY OF MELNICK AND NEEDLES; Melnick-Needles Syndrome (FLNA-MNS). Identifiers: Orphanet 2484, MedGen C0025237, MONDO:0010650, OMIM 309350.
Frontometaphyseal dysplasia (FMD1). Identifiers: Orphanet 1826, MedGen C0265293, MONDO:0015942.

Submission:

Labcorp Genetics (formerly Invitae), Labcorp
Classification: Uncertain significance for Oto-palato-digital syndrome, type II; Heterotopia, periventricular, X-linked dominant; Frontometaphyseal dysplasia; Melnick-Needles syndrome. Last evaluated: 2025-02-04. Review status: criteria provided, single submitter. Criteria: Invitae Variant Classification Sherloc (09022015). Collection method: clinical testing. Allele origin: germline.
Comment: This sequence change falls in intron 12 of the FLNA gene. It does not directly change the encoded amino acid sequence of the FLNA protein. This variant is not present in population databases (gnomAD no frequency). This variant has not been reported in the literature in individuals affected with FLNA-related conditions. Algorithms developed to predict the effect of sequence changes on RNA splicing suggest that this variant may disrupt the consensus splice site. In summary, the available evidence is currently insufficient to determine the role of this variant in disease. Therefore, it has been classified as a Variant of Uncertain Significance.